The following is an entry in ClinVar:

ClinVar aggregate classification (germline): Uncertain significance. Review status: criteria provided, multiple submitters, no conflicts (2 of 4 stars). 4 submissions from 4 submitters: Uncertain significance (3). 1 of the submissions does not count toward it. Last evaluated 2024-02-24.

Conditions:
Meniere disease. Also called: Ménière's disease. Identifiers: MedGen C0025281, MONDO:0007972, OMIM 156000.

Allele frequency attached by ClinVar (database versions not stated): gnomAD 0.00008 and 0.00009; TOPMed 0.00012; gnomAD exomes 0.00013 and 0.00028; ExAC 0.00025.
gnomAD v4.1: 223 of 1,613,640 alleles (0.014%); highest among the groups gnomAD compares: South Asian, 0.15%; 1 homozygote.

Submissions (4):

Labcorp Genetics (formerly Invitae), Labcorp
Classification: Uncertain significance. Last evaluated: 2024-02-24. Review status: criteria provided, single submitter. Criteria: Invitae Variant Classification Sherloc (09022015). Collection method: clinical testing. Allele origin: germline.
Comment: This sequence change replaces proline, which is neutral and non-polar, with serine, which is neutral and polar, at codon 617 of the CENPJ protein (p.Pro617Ser). This variant is present in population databases (rs573822147, gnomAD 0.2%). This variant has not been reported in the literature in individuals affected with CENPJ-related conditions. ClinVar contains an entry for this variant (Variation ID: 1315961). Advanced modeling of protein sequence and biophysical properties (such as structural, functional, and spatial information, amino acid conservation, physicochemical variation, residue mobility, and thermodynamic stability) performed at Invitae indicates that this missense variant is expected to disrupt CENPJ protein function with a positive predictive value of 80%. In summary, the available evidence is currently insufficient to determine the role of this variant in disease. Therefore, it has been classified as a Variant of Uncertain Significance.

Revvity Omics, Revvity
Classification: Uncertain significance. Last evaluated: 2023-10-31. Review status: criteria provided, single submitter. Criteria: ACMG Guidelines, 2015. Collection method: clinical testing. Allele origin: germline.

GeneDx
Classification: Uncertain significance. Last evaluated: 2020-02-11. Review status: criteria provided, single submitter. Criteria: GeneDx Variant Classification Process June 2021. Collection method: clinical testing. Allele origin: germline. Affected: yes.
Comment: In silico analysis supports that this missense variant has a deleterious effect on protein structure/function; Has not been previously published as pathogenic or benign to our knowledge

Center for Computational Biology & Bioinformatics, University of California, San Diego
Classification: Uncertain significance for Meniere disease. Last evaluated: 2024-06-03. Review status: no assertion criteria provided. Collection method: research. Allele origin: germline. Affected: yes. Not counted in ClinVar's aggregate classification.

NM_018451.5(CPAP):c.1849C>T (p.Pro617Ser)

Gene: CPAP (centrosome assembly and centriole elongation protein; minus strand). Cytogenetic location: 13q12.13.
Variant type: single nucleotide variant.
Coding change: c.1849C>T on transcript NM_018451.5 (MANE Select); coding-DNA position 1849, C replaced by T.
Protein change: p.Pro617Ser; replaces proline 617 with serine.
Molecular consequence: missense variant. On other transcripts: non-coding transcript variant (2).
Genome position (GRCh38, 1-based): chr13:24,906,189, G>A on the plus strand (C>T on the coding strand, the complement: CPAP is on the minus strand). VCF-style: chr13-24906189-G-A. GRCh37 (hg19) VCF-style: chr13-25480327-G-A.
Other names: short protein forms P617S.
Identifiers: ClinVar variation 1315961 (VCV001315961.11), dbSNP rs573822147, ClinGen allele CA6919691.